The following is an entry in ClinVar:

NM_003579.4(RAD54L):c.1343C>G (p.Ser448Cys)

Gene: RAD54L (RAD54 like; plus strand). Cytogenetic location: 1p34.1.
Variant type: single nucleotide variant.
Coding change: c.1343C>G on transcript NM_003579.4 (MANE Select); coding-DNA position 1343, C replaced by G.
Protein change: p.Ser448Cys; replaces serine 448 with cysteine.
Molecular consequence: missense variant.
Genome position (GRCh38, 1-based): chr1:46,272,770, C>G. VCF-style: chr1-46272770-C-G. GRCh37 (hg19) VCF-style: chr1-46738442-C-G.
Other names: c.1343C>G, p.Ser448Cys (NM_001142548.2); c.803C>G, p.Ser268Cys (NM_001370766.1); short protein forms S448C, S268C.
Identifiers: ClinVar variation 1770405 (VCV001770405.3), dbSNP rs746819393, ClinGen allele CA340179773.

ClinVar aggregate classification (germline): Uncertain significance (1 of 4 stars; one submission).

Allele frequency attached by ClinVar (database versions not stated): TOPMed 0.00001.
gnomAD v4.1: 1 of 1,614,192 alleles (0.000062%); no homozygotes.

Submission:

Ambry Genetics
Classification: Uncertain significance. Last evaluated: 2024-10-23. Review status: criteria provided, single submitter. Criteria: Ambry Variant Classification Scheme 2023. Collection method: clinical testing. Allele origin: germline.
Comment: The p.S448C variant (also known as c.1343C>G), located in coding exon 12 of the RAD54L gene, results from a C to G substitution at nucleotide position 1343. The serine at codon 448 is replaced by cysteine, an amino acid with dissimilar properties. This amino acid position is conserved. In addition, this alteration is predicted to be deleterious by in silico analysis. Since supporting evidence is limited at this time, the clinical significance of this alteration remains unclear.